The following is an entry in ClinVar:

NM_007294.4(BRCA1):c.500_503del (p.Thr167fs)

Gene: BRCA1 (BRCA1 DNA repair associated; minus strand). Cytogenetic location: 17q21.31.
Variant type: Deletion.
Coding change: c.500_503del on transcript NM_007294.4 (MANE Select); coding-DNA positions 500 to 503, 4 bases deleted (CAAA; older notation c.500_503delCAAA).
Protein change: p.Thr167fs; shifts the reading frame from threonine 167.
Molecular consequence: frameshift variant. On other transcripts: non-coding transcript variant (1).
Genome position (GRCh38, 1-based): chr17:43,099,819-43,099,822, TTTG deleted on the plus strand (CAAA on the coding strand, the reverse complement: BRCA1 is on the minus strand); deleting any 4 consecutive bases within chr17:43,099,819-43,099,823 gives the same sequence; the c. name uses the placement nearest the transcript's 3' end. VCF-style (leftmost placement, unchanged base first): chr17-43099818-CTTTG-C. GRCh37 (hg19) VCF-style: chr17-41251835-CTTTG-C.
Other names: c.500_503delCAAA (NM_007294.3); c.286_289delACAA, p.Thr96Serfs (NM_001407571.1, NM_001407853.1, NM_001407894.1 and 18 more transcripts); c.499_502delACAA, p.Thr167Serfs (NM_001407581.1, NM_001407582.1, NM_001407583.1 and 96 more transcripts); c.496_499delACAA, p.Thr166Serfs (NM_001407587.1, NM_001407590.1, NM_001407591.1 and 65 more transcripts); c.490_493delACAA, p.Thr164Serfs (NM_001407646.1, NM_001407647.1, NM_001408408.1); c.421_424delACAA, p.Thr141Serfs (NM_001407653.1, NM_001407654.1, NM_001407655.1 and 12 more transcripts); c.418_421delACAA, p.Thr140Serfs (NM_001407659.1, NM_001407660.1, NM_001407661.1 and 6 more transcripts); c.358_361delACAA, p.Thr120Serfs (NM_001407692.1, NM_001407694.1, NM_001407695.1 and 60 more transcripts); and 7 more; short protein forms T167fs, T120fs.
Identifiers: ClinVar variation 642233 (VCV000642233.11), dbSNP rs1597887869, ClinGen allele CA915950146.

ClinVar aggregate classification (germline): Pathogenic. Review status: criteria provided, multiple submitters, no conflicts (2 of 4 stars). 2 submissions from 2 submitters: Pathogenic (2). Last evaluated 2023-10-04.

Conditions:
Hereditary cancer-predisposing syndrome. Also called: Neoplastic Syndromes, Hereditary; Tumor predisposition; Hereditary neoplastic syndrome; Hereditary Cancer Syndrome. Identifiers: Orphanet 140162, MedGen C0027672, MeSH D009386, MONDO:0015356.
Hereditary breast ovarian cancer syndrome. Also called: Hereditary breast and ovarian cancer; Hereditary breast and ovarian cancer syndrome; Hereditary breast and ovarian cancer syndrome (HBOC); Hereditary breast and/or ovarian cancer syndrome; Breast and ovarian cancer; BRCA1- and BRCA2-Associated Hereditary Breast and Ovarian Cancer. Identifiers: Orphanet 145, MedGen C0677776, MeSH D061325, MONDO:0003582. Disease mechanism: loss of function.

Submissions (2):

Ambry Genetics
Classification: Pathogenic for Hereditary cancer-predisposing syndrome. Last evaluated: 2023-10-04. Review status: criteria provided, single submitter. Criteria: Ambry Variant Classification Scheme 2023. Collection method: clinical testing. Allele origin: germline.
Comment: The c.500_503delCAAA pathogenic mutation, located in coding exon 6 of the BRCA1 gene, results from a deletion of 4 nucleotides at nucleotide positions 500 to 503, causing a translational frameshift with a predicted alternate stop codon (p.T167Sfs*66). This variant was reported in 1/60,466 breast cancer cases and in 0/53,461 controls (Dorling et al. N Engl J Med 2021 02;384:428-439). This alteration is expected to result in loss of function by premature protein truncation or nonsense-mediated mRNA decay. As such, this alteration is interpreted as a disease-causing mutation.

Labcorp Genetics (formerly Invitae), Labcorp
Classification: Pathogenic for Hereditary breast ovarian cancer syndrome. Last evaluated: 2022-11-01. Review status: criteria provided, single submitter. Criteria: Invitae Variant Classification Sherloc (09022015). Collection method: clinical testing. Allele origin: germline.
Comment: For these reasons, this variant has been classified as Pathogenic. ClinVar contains an entry for this variant (Variation ID: 642233). This variant has not been reported in the literature in individuals affected with BRCA1-related conditions. This variant is not present in population databases (gnomAD no frequency). This sequence change creates a premature translational stop signal (p.Thr167Serfs*66) in the BRCA1 gene. It is expected to result in an absent or disrupted protein product. Loss-of-function variants in BRCA1 are known to be pathogenic (PMID: 20104584).

Literature cited by the submitters: PubMed 33471991 (cited by Ambry Genetics); PubMed 20104584 (cited by Labcorp Genetics (formerly Invitae), Labcorp).